The following is an entry in ClinVar:

NM_000435.3(NOTCH3):c.3837+11G>A

Gene: NOTCH3 (notch receptor 3; minus strand). Cytogenetic location: 19p13.12.
Variant type: single nucleotide variant.
Coding change: c.3837+11G>A on transcript NM_000435.3 (MANE Select); 11 bases into the intron after coding-DNA position 3837, G replaced by A.
Molecular consequence: intron variant.
Genome position (GRCh38, 1-based): chr19:15,178,812, C>T on the plus strand (G>A on the coding strand, the complement: NOTCH3 is on the minus strand). VCF-style: chr19-15178812-C-T. GRCh37 (hg19) VCF-style: chr19-15289623-C-T.
Identifiers: ClinVar variation 890260 (VCV000890260.11), dbSNP rs752485887, ClinGen allele CA9262970.

ClinVar aggregate classification (germline): Likely benign. Review status: criteria provided, multiple submitters, no conflicts (2 of 4 stars). 2 submissions from 2 submitters: Likely benign (2). Last evaluated 2025-03-17.

Conditions:
Cerebral arteriopathy, autosomal dominant, with subcortical infarcts and leukoencephalopathy, type 1 (CADASIL1). Also called: CADASIL 1; CASIL; Cerebral arteriopathy with subcortical infarcts and leukoencephalopathy 1; DEMENTIA, HEREDITARY MULTIINFARCT TYPE. Identifiers: Orphanet 136, MedGen C4551768, MONDO:0000914, OMIM 125310.

Allele frequency attached by ClinVar (database versions not stated): gnomAD 0.00001; TOPMed 0.00002; gnomAD exomes 0.00003; ExAC 0.00004.
gnomAD v4.1: 42 of 1,581,538 alleles (0.0027%); highest among the groups gnomAD compares: Non-Finnish European, 0.0035%; no homozygotes.

Submissions (2):

Labcorp Genetics (formerly Invitae), Labcorp
Classification: Likely benign. Last evaluated: 2025-03-17. Review status: criteria provided, single submitter. Criteria: Invitae Variant Classification Sherloc (09022015). Collection method: clinical testing. Allele origin: germline.

Illumina Laboratory Services, Illumina
Classification: Likely benign for Cerebral arteriopathy, autosomal dominant, with subcortical infarcts and leukoencephalopathy, type 1. Last evaluated: 2018-01-13. Review status: criteria provided, single submitter. Criteria: ICSL Variant Classification Criteria 13 December 2019. Collection method: clinical testing. Allele origin: germline.
Comment: This variant was observed in the ICSL laboratory as part of a predisposition screen in an ostensibly healthy population. It had not been previously curated by ICSL or reported in the Human Gene Mutation Database (HGMD: prior to June 1st, 2018), and was therefore a candidate for classification through an automated scoring system. Utilizing variant allele frequency, disease prevalence and penetrance estimates, and inheritance mode, an automated score was calculated to assess if this variant is too frequent to cause the disease. Based on the score and internal cut-off values, a variant classified as likely benign is not then subjected to further curation. The score for this variant resulted in a classification of likely benign for this disease.